The following is an entry in ClinVar:

ClinVar aggregate classification (germline): Uncertain significance (1 of 4 stars; one submission).

Conditions:
FBXO28-related disorder. Also called: FBXO28-related condition.

Submission:

PreventionGenetics, part of Exact Sciences
Classification: Uncertain significance for FBXO28-related condition. Last evaluated: 2023-04-04. Review status: criteria provided, single submitter. Criteria: ACMG Guidelines, 2015. Collection method: clinical testing. Allele origin: germline.
Comment: The FBXO28 c.20A>T variant is predicted to result in the amino acid substitution p.Glu7Val. To our knowledge, this variant has not been reported in the literature or in a large population database, indicating this variant is rare. At this time, the clinical significance of this variant is uncertain due to the absence of conclusive functional and genetic evidence.

NM_015176.4(FBXO28):c.20A>T (p.Glu7Val)

Genes: FBXO28 (F-box protein 28; plus strand), LOC129932579 (ATAC-STARR-seq lymphoblastoid active region 2598; plus strand). Cytogenetic location: 1q42.11.
Variant type: single nucleotide variant.
Coding change: c.20A>T on transcript NM_015176.4 (MANE Select); coding-DNA position 20, A replaced by T.
Protein change: p.Glu7Val; replaces glutamic acid 7 with valine.
Molecular consequence: missense variant. On other transcripts: non-coding transcript variant (1).
Genome position (GRCh38, 1-based): chr1:224,114,149, A>T. VCF-style: chr1-224114149-A-T. GRCh37 (hg19) VCF-style: chr1-224301851-A-T.
Other names: c.20A>T, p.Glu7Val (NM_001136115.3); short protein forms E7V.
Identifiers: ClinVar variation 2633683 (VCV002633683.1), dbSNP rs1352114760, ClinGen allele CA344750414.